The following is an entry in ClinVar:

NM_001201397.2(EDNRB):c.140G>T (p.Gly47Val)

Genes: EDNRB (endothelin receptor type B; minus strand), LOC107882129 (EDNRB proximal promoter region; plus strand). Cytogenetic location: 13q22.3.
Variant type: single nucleotide variant.
Coding change: c.140G>T on transcript NM_001201397.2; coding-DNA position 140, G replaced by T.
Protein change: p.Gly47Val; replaces glycine 47 with valine.
Molecular consequence: missense variant. On other transcripts: intron variant (1).
Genome position (GRCh38, 1-based): chr13:77,919,476, C>A on the plus strand (G>T on the coding strand, the complement: EDNRB is on the minus strand). VCF-style: chr13-77919476-C-A. GRCh37 (hg19) VCF-style: chr13-78493611-C-A.
Other names: c.-51-852G>T (NM_000115.5); short protein forms G47V.
Identifiers: ClinVar variation 4985654 (VCV004985654.1).
Genomic context (GRCh38, chr13:77,919,476, plus strand): 5'-AGATGCAGAGCGACGAATGGAGACCACCTTCCCGGGAGGCGGAACCCAGCTGGGTTCCAG[C>A]CTGCTCTGGGAGAGGAGCACGCCTCCCTTGAGCTGCAGGCGGGTCCGGCTCTGACGAAAC-3'

ClinVar aggregate classification (germline): Uncertain significance (1 of 4 stars; one submission).

Conditions:
EDNRB-related disorder. Also called: EDNRB-related condition; EDNRB-related disorders.

gnomAD v4.1: 7 of 1,612,700 alleles (0.00043%); highest among the groups gnomAD compares: African/African-American, 0.0013%; no homozygotes.

Submission:

PreventionGenetics, part of Exact Sciences
Classification: Uncertain significance for EDNRB-related condition. Last evaluated: 2025-06-23. Review status: criteria provided, single submitter. Criteria: ACMG Guidelines, 2015. Collection method: clinical testing. Allele origin: germline.
Comment: The EDNRB c.140G>T variant is predicted to result in the amino acid substitution p.Gly47Val. To our knowledge, this variant has not been reported in the literature. This variant is reported in 0.00093% of alleles in individuals of European (Non-Finnish) descent in gnomAD. At this time, the clinical significance of this variant is uncertain due to the absence of conclusive functional and genetic evidence.